The following is an entry in ClinVar:

ClinVar aggregate classification (germline): Uncertain significance (1 of 4 stars; one submission).

Submission:

GeneDx
Classification: Uncertain significance. Last evaluated: 2019-12-02. Review status: criteria provided, single submitter. Criteria: GeneDx Variant Classification Process June 2021. Collection method: clinical testing. Allele origin: germline. Affected: yes.
Comment: Not observed in large population cohorts (Lek et al., 2016); In silico analysis, which includes protein predictors and evolutionary conservation, supports that this variant does not alter protein structure/function; Has not been previously published as pathogenic or benign to our knowledge

NM_000814.6(GABRB3):c.391G>T (p.Val131Leu)

Gene: GABRB3 (gamma-aminobutyric acid type A receptor subunit beta3; minus strand). Cytogenetic location: 15q12.
Variant type: single nucleotide variant.
Coding change: c.391G>T on transcript NM_000814.6 (MANE Select); coding-DNA position 391, G replaced by T.
Protein change: p.Val131Leu; replaces valine 131 with leucine.
Molecular consequence: missense variant. On other transcripts: non-coding transcript variant (1).
Genome position (GRCh38, 1-based): chr15:26,621,384, C>A on the plus strand (G>T on the coding strand, the complement: GABRB3 is on the minus strand). VCF-style: chr15-26621384-C-A. GRCh37 (hg19) VCF-style: chr15-26866531-C-A.
Other names: c.136G>T, p.Val46Leu (NM_001191320.2, NM_001278631.2); c.178G>T, p.Val60Leu (NM_001191321.3); c.391G>T, p.Val131Leu (NM_021912.5); short protein forms V131L, V46L, V60L.
Identifiers: ClinVar variation 1318497 (VCV001318497.2), dbSNP rs766542639, ClinGen allele CA391460774.